The following is an entry in ClinVar:

NM_000256.3(MYBPC3):c.2425G>C (p.Glu809Gln)

Gene: MYBPC3 (myosin binding protein C3; minus strand). Cytogenetic location: 11p11.2.
Variant type: single nucleotide variant.
Coding change: c.2425G>C on transcript NM_000256.3 (MANE Select); coding-DNA position 2425, G replaced by C.
Protein change: p.Glu809Gln; replaces glutamic acid 809 with glutamine.
Molecular consequence: missense variant.
Genome position (GRCh38, 1-based): chr11:47,337,568, C>G on the plus strand (G>C on the coding strand, the complement: MYBPC3 is on the minus strand). VCF-style: chr11-47337568-C-G. GRCh37 (hg19) VCF-style: chr11-47359119-C-G.
Other names: short protein forms E809Q.
Identifiers: ClinVar variation 2101380 (VCV002101380.4), dbSNP rs1595843772, ClinGen allele CA380318518.

ClinVar aggregate classification (germline): Uncertain significance (1 of 4 stars; one submission).

Conditions:
Hypertrophic cardiomyopathy. Also called: HYPERTROPHIC MYOCARDIOPATHY. Identifiers: Orphanet 217569, MedGen C0007194, MeSH D002312, MONDO:0005045, HP:0001639.

Submission:

Labcorp Genetics (formerly Invitae), Labcorp
Classification: Uncertain significance for Hypertrophic cardiomyopathy. Last evaluated: 2023-05-10. Review status: criteria provided, single submitter. Criteria: Invitae Variant Classification Sherloc (09022015). Collection method: clinical testing. Allele origin: germline.
Comment: This variant has not been reported in the literature in individuals affected with MYBPC3-related conditions. This sequence change replaces glutamic acid, which is acidic and polar, with glutamine, which is neutral and polar, at codon 809 of the MYBPC3 protein (p.Glu809Gln). This variant is not present in population databases (gnomAD no frequency). ClinVar contains an entry for this variant (Variation ID: 2101380). An algorithm developed to predict the effect of missense changes on protein structure and function (PolyPhen-2) suggests that this variant is likely to be disruptive. Algorithms developed to predict the effect of sequence changes on RNA splicing suggest that this variant may disrupt the consensus splice site. In summary, the available evidence is currently insufficient to determine the role of this variant in disease. Therefore, it has been classified as a Variant of Uncertain Significance.